The following is an entry in ClinVar:

NM_007272.3(CTRC):c.239G>A (p.Arg80Gln)

Gene: CTRC (chymotrypsin C; plus strand). Cytogenetic location: 1p36.21.
Variant type: single nucleotide variant.
Coding change: c.239G>A on transcript NM_007272.3 (MANE Select); coding-DNA position 239, G replaced by A.
Protein change: p.Arg80Gln; replaces arginine 80 with glutamine.
Molecular consequence: missense variant.
Genome position (GRCh38, 1-based): chr1:15,442,455, G>A. VCF-style: chr1-15442455-G-A. GRCh37 (hg19) VCF-style: chr1-15768951-G-A.
Other names: short protein forms R80Q.
Identifiers: ClinVar variation 2729831 (VCV002729831.3), dbSNP rs753361075, ClinGen allele CA613289.

ClinVar aggregate classification (germline): Uncertain significance (1 of 4 stars; one submission).

Conditions:
Hereditary pancreatitis (PCTT). Also called: Hereditary chronic pancreatitis; PRSS1-Related Hereditary Pancreatitis. Identifiers: Orphanet 676, MedGen C0238339, MONDO:0008185, OMIM 167800.

Allele frequency attached by ClinVar (database versions not stated): gnomAD exomes 0.00001; gnomAD 0.00002; TOPMed 0.00002; ExAC 0.00004.
gnomAD v4.1: 16 of 1,612,920 alleles (0.00099%); highest among the groups gnomAD compares: African/African-American, 0.008%; no homozygotes.

Submission:

Labcorp Genetics (formerly Invitae), Labcorp
Classification: Uncertain significance for Hereditary pancreatitis. Last evaluated: 2024-08-27. Review status: criteria provided, single submitter. Criteria: Invitae Variant Classification Sherloc (09022015). Collection method: clinical testing. Allele origin: germline.
Comment: This sequence change replaces arginine, which is basic and polar, with glutamine, which is neutral and polar, at codon 80 of the CTRC protein (p.Arg80Gln). This variant is present in population databases (rs753361075, gnomAD 0.007%). This variant has not been reported in the literature in individuals affected with CTRC-related conditions. Invitae Evidence Modeling of protein sequence and biophysical properties (such as structural, functional, and spatial information, amino acid conservation, physicochemical variation, residue mobility, and thermodynamic stability) indicates that this missense variant is not expected to disrupt CTRC protein function with a negative predictive value of 80%. Experimental studies have shown that this missense change does not substantially affect CTRC function (PMID: 26013824). In summary, the available evidence is currently insufficient to determine the role of this variant in disease. Therefore, it has been classified as a Variant of Uncertain Significance.

Literature cited by the submitters: PubMed 26013824.